The following is an entry in ClinVar:

NM_007254.4(PNKP):c.325A>T (p.Thr109Ser)

Gene: PNKP (polynucleotide kinase 3'-phosphatase; minus strand). Cytogenetic location: 19q13.33.
Variant type: single nucleotide variant.
Coding change: c.325A>T on transcript NM_007254.4 (MANE Select); coding-DNA position 325, A replaced by T.
Protein change: p.Thr109Ser; replaces threonine 109 with serine.
Molecular consequence: missense variant.
Genome position (GRCh38, 1-based): chr19:49,865,300, T>A on the plus strand (A>T on the coding strand, the complement: PNKP is on the minus strand). VCF-style: chr19-49865300-T-A. GRCh37 (hg19) VCF-style: chr19-50368557-T-A.
Other names: short protein forms T109S.
Identifiers: ClinVar variation 1361538 (VCV001361538.7), dbSNP rs979192418, ClinGen allele CA309498649.

ClinVar aggregate classification (germline): Uncertain significance. Review status: criteria provided, multiple submitters, no conflicts (2 of 4 stars). 2 submissions from 2 submitters: Uncertain significance (2). Last evaluated 2025-10-27.

Conditions:
Developmental and epileptic encephalopathy, 12 (DEE12). Identifiers: MedGen C3150988, MONDO:0013389, OMIM 613722.

Allele frequency attached by ClinVar (database versions not stated): gnomAD exomes below 0.00001.
gnomAD v4.1: 1 of 1,614,058 alleles (0.000062%); highest among the groups gnomAD compares: Non-Finnish European, 0.000085%; no homozygotes.

Submissions (2):

Labcorp Genetics (formerly Invitae), Labcorp
Classification: Uncertain significance for Developmental and epileptic encephalopathy, 12. Last evaluated: 2025-10-27. Review status: criteria provided, single submitter. Criteria: Invitae Variant Classification Sherloc (09022015). Collection method: clinical testing. Allele origin: germline.
Comment: This sequence change replaces threonine, which is neutral and polar, with serine, which is neutral and polar, at codon 109 of the PNKP protein (p.Thr109Ser). This variant is not present in population databases (gnomAD no frequency). This variant has not been reported in the literature in individuals affected with PNKP-related conditions. ClinVar contains an entry for this variant (Variation ID: 1361538). An algorithm developed to predict the effect of missense changes on protein structure and function (PolyPhen-2) suggests that this variant is likely to be tolerated. In summary, the available evidence is currently insufficient to determine the role of this variant in disease. Therefore, it has been classified as a Variant of Uncertain Significance.

GeneDx
Classification: Uncertain significance. Last evaluated: 2022-01-06. Review status: criteria provided, single submitter. Criteria: GeneDx Variant Classification Process June 2021. Collection method: clinical testing. Allele origin: germline. Affected: yes.
Comment: Not observed at significant frequency in large population cohorts (gnomAD); In silico analysis supports that this missense variant does not alter protein structure/function; Has not been previously published as pathogenic or benign to our knowledge